The following is an entry in ClinVar:

NM_020937.4(FANCM):c.2434C>G (p.His812Asp)

Gene: FANCM (FA complementation group M; plus strand). Cytogenetic location: 14q21.2.
Variant type: single nucleotide variant.
Coding change: c.2434C>G on transcript NM_020937.4 (MANE Select); coding-DNA position 2434, C replaced by G.
Protein change: p.His812Asp; replaces histidine 812 with aspartic acid.
Molecular consequence: missense variant.
Genome position (GRCh38, 1-based): chr14:45,175,188, C>G. VCF-style: chr14-45175188-C-G. GRCh37 (hg19) VCF-style: chr14-45644391-C-G.
Other names: c.2356C>G, p.His786Asp (NM_001308133.2); short protein forms H786D, H812D.
Identifiers: ClinVar variation 5036571 (VCV005036571.1).

ClinVar aggregate classification (germline): Uncertain significance (1 of 4 stars; one submission).

Conditions:
Inborn genetic diseases. Identifiers: MedGen C0950123, MeSH D030342.

Submission:

Ambry Genetics
Classification: Uncertain significance for Inborn genetic diseases. Last evaluated: 2026-06-21. Review status: criteria provided, single submitter. Criteria: Ambry Variant Classification Scheme 2023. Collection method: clinical testing. Allele origin: germline.
Comment: The p.H812D variant (also known as c.2434C>G), located in coding exon 14 of the FANCM gene, results from a C to G substitution at nucleotide position 2434. The histidine at codon 812 is replaced by aspartic acid, an amino acid with similar properties. This amino acid position is conserved. In addition, this alteration is predicted to be tolerated by in silico analysis. Based on the available evidence, the clinical significance of this variant remains unclear.